The following is an entry in ClinVar:

NM_001378615.1(CC2D2A):c.3400G>A (p.Ala1134Thr)

Genes: CC2D2A (coiled-coil and C2 domain containing 2A; plus strand), FBXL5 (F-box and leucine rich repeat protein 5; minus strand). Cytogenetic location: 4p15.32.
Variant type: single nucleotide variant.
Coding change: c.3400G>A on transcript NM_001378615.1 (MANE Select); coding-DNA position 3400, G replaced by A.
Protein change: p.Ala1134Thr; replaces alanine 1134 with threonine.
Molecular consequence: missense variant.
Genome position (GRCh38, 1-based): chr4:15,569,294, G>A. VCF-style: chr4-15569294-G-A. GRCh37 (hg19) VCF-style: chr4-15570917-G-A.
Other names: c.3400G>A, p.Ala1134Thr (NM_001080522.2); c.3253G>A, p.Ala1085Thr (NM_001378617.1); short protein forms A1085T, A1134T.
Identifiers: ClinVar variation 3235073 (VCV003235073.1), dbSNP rs2475079525, ClinGen allele CA356419829.

ClinVar aggregate classification (germline): Uncertain significance (1 of 4 stars; one submission).

Conditions:
COACH syndrome 2. Identifiers: MedGen C5436837, MONDO:0030859, OMIM 619111.
Meckel syndrome, type 6. Identifiers: Orphanet 564, MedGen C2676790, MONDO:0012848, OMIM 612284.
Joubert syndrome 9 (JBTS9). Identifiers: Orphanet 2318, MedGen C2676788, MONDO:0012849, OMIM 612285.

Allele frequency attached by ClinVar (database versions not stated): gnomAD exomes below 0.00001.
gnomAD v4.1: 1 of 1,563,300 alleles (0.000064%); highest among the groups gnomAD compares: South Asian, 0.0012%; no homozygotes.

Submission:

Institute of Immunology and Genetics Kaiserslautern
Classification: Uncertain significance for Joubert syndrome 9; COACH syndrome 2; Meckel syndrome, type 6. Last evaluated: 2024-04-25. Review status: criteria provided, single submitter. Criteria: ACMG Guidelines, 2015. Collection method: clinical testing. Allele origin: biparental. Affected: yes.
Comment: ACMG Criteria: PM2, PP3; Variant was found in homozygous state